The following is an entry in ClinVar:

NM_001164508.2(NEB):c.2637+17A>G

Gene: NEB (nebulin; minus strand). Cytogenetic location: 2q23.3.
Variant type: single nucleotide variant.
Coding change: c.2637+17A>G on transcript NM_001164508.2 (MANE Select); 17 bases into the intron after coding-DNA position 2637, A replaced by G.
Molecular consequence: intron variant.
Genome position (GRCh38, 1-based): chr2:151,687,402, T>C on the plus strand (A>G on the coding strand, the complement: NEB is on the minus strand). VCF-style: chr2-151687402-T-C. GRCh37 (hg19) VCF-style: chr2-152543916-T-C.
Other names: c.2637+17A>G (NM_004543.5, NM_001164507.2, NM_001271208.2).
Identifiers: ClinVar variation 385868 (VCV000385868.10), dbSNP rs145112154, ClinGen allele CA1911172.
Genomic context (GRCh38, chr2:151,687,402, plus strand): 5'-TTTTCCACACTACTACCCTTGGGCATCGTAACAGGGAGTCCATCTTGAAAACAAGACAGA[T>C]TCACAAAGACACTCACATCACTCTGGTTTTTGGCTGTCTTCAAGGAGTGCAGCATCTTTG-3'

ClinVar aggregate classification (germline): Benign/Likely benign. Review status: criteria provided, multiple submitters, no conflicts (2 of 4 stars). 2 submissions from 2 submitters: Benign (1); Likely benign (1). Last evaluated 2026-01-26.

Conditions:
Nemaline myopathy 2 (NEM2). Also called: Nemaline myopathy 2, autosomal recessive. Identifiers: MedGen C1850569, MONDO:0009725, OMIM 256030.

Allele frequency attached by ClinVar (database versions not stated): gnomAD exomes 0.00011 and 0.00027; ExAC 0.00037; ESP Exome Variant Server 0.00114; gnomAD 0.00121 and 0.00133; TOPMed 0.00130; 1000 Genomes Project 30x 0.00172; 1000 Genomes Project 0.00180.
gnomAD v4.1: 363 of 1,598,106 alleles (0.023%); highest among the groups gnomAD compares: African/African-American, 0.36%; 1 homozygote.

Submissions (2):

Labcorp Genetics (formerly Invitae), Labcorp
Classification: Benign for Nemaline myopathy 2. Last evaluated: 2026-01-26. Review status: criteria provided, single submitter. Criteria: Invitae Variant Classification Sherloc (09022015). Collection method: clinical testing. Allele origin: germline.

GeneDx
Classification: Likely benign. Last evaluated: 2016-05-20. Review status: criteria provided, single submitter. Criteria: GeneDx Variant Classification (06012015). Collection method: clinical testing. Allele origin: germline. Affected: yes.
Comment: This variant is considered likely benign or benign based on one or more of the following criteria: it is a conservative change, it occurs at a poorly conserved position in the protein, it is predicted to be benign by multiple in silico algorithms, and/or has population frequency not consistent with disease.